The following is an entry in ClinVar:

NM_003982.4(SLC7A7):c.1333A>G (p.Ile445Val)

Gene: SLC7A7 (solute carrier family 7 member 7; minus strand). Cytogenetic location: 14q11.2.
Variant type: single nucleotide variant.
Coding change: c.1333A>G on transcript NM_003982.4 (MANE Select); coding-DNA position 1333, A replaced by G.
Protein change: p.Ile445Val; replaces isoleucine 445 with valine.
Molecular consequence: missense variant.
Genome position (GRCh38, 1-based): chr14:22,774,029, T>C on the plus strand (A>G on the coding strand, the complement: SLC7A7 is on the minus strand). VCF-style: chr14-22774029-T-C. GRCh37 (hg19) VCF-style: chr14-23243238-T-C.
Other names: c.1333A>G, p.Ile445Val (NM_001126105.3, NM_001126106.4); short protein forms I445V.
Identifiers: ClinVar variation 845227 (VCV000845227.8), dbSNP rs764231324, ClinGen allele CA7104418.

ClinVar aggregate classification (germline): Uncertain significance. Review status: criteria provided, single submitter (1 of 4 stars). 2 submissions from 2 submitters: Uncertain significance (1). 1 of the submissions does not count toward it. Last evaluated 2021-08-31.

Conditions:
Lysinuric protein intolerance (LPI). Identifiers: Orphanet 470, MedGen C0268647, MONDO:0009109, OMIM 222700.

Allele frequency attached by ClinVar (database versions not stated): gnomAD exomes below 0.00001; ExAC 0.00001; gnomAD 0.00001; TOPMed 0.00002.
gnomAD v4.1: 3 of 1,614,086 alleles (0.00019%); highest among the groups gnomAD compares: East Asian, 0.0045%; no homozygotes.

Submissions (2):

Labcorp Genetics (formerly Invitae), Labcorp
Classification: Uncertain significance for Lysinuric protein intolerance. Last evaluated: 2021-08-31. Review status: criteria provided, single submitter. Criteria: Invitae Variant Classification Sherloc (09022015). Collection method: clinical testing. Allele origin: germline.
Comment: This sequence change replaces isoleucine with valine at codon 445 of the SLC7A7 protein (p.Ile445Val). The isoleucine residue is moderately conserved and there is a small physicochemical difference between isoleucine and valine. This variant is present in population databases (rs764231324, ExAC 0.01%). This variant has not been reported in the literature in individuals affected with SLC7A7-related conditions. Algorithms developed to predict the effect of missense changes on protein structure and function are either unavailable or do not agree on the potential impact of this missense change (SIFT: "Tolerated"; PolyPhen-2: "Possibly Damaging"; Align-GVGD: "Class C0"). In summary, the available evidence is currently insufficient to determine the role of this variant in disease. Therefore, it has been classified as a Variant of Uncertain Significance.

Natera, Inc.
Classification: Uncertain significance for Lysinuric protein intolerance. Last evaluated: 2020-11-18. Review status: no assertion criteria provided. Collection method: clinical testing. Allele origin: germline. Not counted in ClinVar's aggregate classification.